The following is an entry in ClinVar:

ClinVar aggregate classification (germline): Conflicting classifications of pathogenicity. Review status: criteria provided, conflicting classifications (1 of 4 stars). 3 submissions from 3 submitters: Uncertain significance (2); Likely benign (1). Last evaluated 2025-05-14.

Conditions:
Polycystic kidney disease 4 (PKD4). Also called: POLYCYSTIC KIDNEY AND HEPATIC DISEASE 1; POLYCYSTIC KIDNEY DISEASE, INFANTILE, TYPE I; Autosomal Recessive Polycystic Kidney Disease – PKHD1; POLYCYSTIC KIDNEY DISEASE 4 WITH OR WITHOUT POLYCYSTIC LIVER DISEASE; PKD3. Identifiers: MedGen C4540575, MONDO:0033004, OMIM 263200.
Inborn genetic diseases. Identifiers: MedGen C0950123, MeSH D030342.

Submissions (3):

Ambry Genetics
Classification: Likely benign for Inborn genetic diseases. Last evaluated: 2025-05-14. Review status: criteria provided, single submitter. Criteria: Ambry Variant Classification Scheme 2023. Collection method: clinical testing. Allele origin: germline.

Fulgent Genetics
Classification: Uncertain significance for Polycystic kidney disease 4. Last evaluated: 2024-06-17. Review status: criteria provided, single submitter. Criteria: ACMG Guidelines, 2015. Collection method: clinical testing. Allele origin: germline.

GeneDx
Classification: Uncertain significance. Last evaluated: 2023-11-22. Review status: criteria provided, single submitter. Criteria: GeneDx Variant Classification Process June 2021. Collection method: clinical testing. Allele origin: germline. Affected: yes.
Comment: Not observed at significant frequency in large population cohorts (gnomAD); In silico analysis supports that this missense variant does not alter protein structure/function; Has not been previously published as pathogenic or benign to our knowledge

NM_138694.4(PKHD1):c.5902A>G (p.Ile1968Val)

Gene: PKHD1 (PKHD1 ciliary IPT domain containing fibrocystin/polyductin; minus strand). Cytogenetic location: 6p12.2.
Variant type: single nucleotide variant.
Coding change: c.5902A>G on transcript NM_138694.4 (MANE Select); coding-DNA position 5902, A replaced by G.
Protein change: p.Ile1968Val; replaces isoleucine 1968 with valine.
Molecular consequence: missense variant.
Genome position (GRCh38, 1-based): chr6:51,959,876, T>C on the plus strand (A>G on the coding strand, the complement: PKHD1 is on the minus strand). VCF-style: chr6-51959876-T-C. GRCh37 (hg19) VCF-style: chr6-51824674-T-C.
Other names: c.5902A>G, p.Ile1968Val (NM_170724.3); short protein forms I1968V.
Identifiers: ClinVar variation 3364845 (VCV003364845.3).